The following is an entry in ClinVar:

ClinVar aggregate classification (germline): Uncertain significance. Review status: criteria provided, multiple submitters, no conflicts (2 of 4 stars). 3 submissions from 3 submitters: Uncertain significance (3). Last evaluated 2024-06-05.

Conditions:
Hereditary cancer-predisposing syndrome. Also called: Tumor predisposition; Hereditary neoplastic syndrome; Hereditary Cancer Syndrome; Neoplastic Syndromes, Hereditary. Identifiers: Orphanet 140162, MedGen C0027672, MeSH D009386, MONDO:0015356.
Familial adenomatous polyposis 1 (FAP1). Also called: FAMILIAL ADENOMATOUS POLYPOSIS 1, ATTENUATED; POLYPOSIS, ADENOMATOUS INTESTINAL. Identifiers: MedGen C2713442, MONDO:0021056, OMIM 175100. Disease mechanism: loss of function.
Hepatocellular carcinoma (HCC). Also called: Primary carcinoma of liver; HEPATOMA; LIVER CELL CARCINOMA. Identifiers: Orphanet 88673, MedGen C2239176, MONDO:0007256, OMIM 114550, HP:0001402.
Desmoid disease, hereditary (DESMD). Also called: FIBROMATOSIS, FAMILIAL INFILTRATIVE. Identifiers: Orphanet 873, MedGen C1851124, OMIM 135290. Disease mechanism: loss of function.
Gastric adenocarcinoma and proximal polyposis of the stomach (GAPPS). Also called: POLYPOSIS, GASTRIC; Gastric Adenocarcinoma and Proximal Polyposis of the Stomach (GAPPS); Polyposis, gastric, Dos Santos and de Magalhaes 1980. Identifiers: Orphanet 314022, MedGen C4749917, MONDO:0017790, OMIM 619182.
Gastric cancer. Also called: Stomach cancer; Malignant tumor of stomach. Identifiers: MedGen C0024623, MeSH D013274, MONDO:0001056, OMIM 613659, HP:0012126.
Colorectal cancer. Also called: Colorectal cancer, somatic; Malignant Colorectal Neoplasm. Identifiers: MedGen C0346629, MONDO:0005575, OMIM 114500.

Allele frequency attached by ClinVar (database versions not stated): gnomAD exomes below 0.00001.
gnomAD v4.1: 1 of 1,614,202 alleles (0.000062%); highest among the groups gnomAD compares: Non-Finnish European, 0.000085%; no homozygotes.

Submissions (3):

Fulgent Genetics
Classification: Uncertain significance for Colorectal cancer; Hepatocellular carcinoma; Desmoid disease, hereditary; Familial adenomatous polyposis 1; Gastric cancer; Gastric adenocarcinoma and proximal polyposis of the stomach. Last evaluated: 2024-06-05. Review status: criteria provided, single submitter. Criteria: ACMG Guidelines, 2015. Collection method: clinical testing. Allele origin: germline.

Labcorp Genetics (formerly Invitae), Labcorp
Classification: Uncertain significance for Familial adenomatous polyposis 1. Last evaluated: 2021-05-28. Review status: criteria provided, single submitter. Criteria: Invitae Variant Classification Sherloc (09022015). Collection method: clinical testing. Allele origin: germline.
Comment: This variant is not present in population databases (ExAC no frequency). This sequence change replaces asparagine with isoleucine at codon 1070 of the APC protein (p.Asn1070Ile). The asparagine residue is weakly conserved and there is a large physicochemical difference between asparagine and isoleucine. This variant has not been reported in the literature in individuals with APC-related conditions. ClinVar contains an entry for this variant (Variation ID: 482241). Algorithms developed to predict the effect of missense changes on protein structure and function are either unavailable or do not agree on the potential impact of this missense change (SIFT: "Deleterious"; PolyPhen-2: "Benign"; Align-GVGD: "Class C15"). In summary, the available evidence is currently insufficient to determine the role of this variant in disease. Therefore, it has been classified as a Variant of Uncertain Significance.

Ambry Genetics
Classification: Uncertain significance for Hereditary cancer-predisposing syndrome. Last evaluated: 2016-09-08. Review status: criteria provided, single submitter. Criteria: Ambry Variant Classification Scheme 2023. Collection method: clinical testing. Allele origin: germline.
Comment: The p.N1070I variant (also known as c.3209A>T), located in coding exon 15 of the APC gene, results from an A to T substitution at nucleotide position 3209. The asparagine at codon 1070 is replaced by isoleucine, an amino acid with dissimilar properties. This variant was not reported in population based cohorts in the following databases: Database of Single Nucleotide Polymorphisms (dbSNP), NHLBI Exome Sequencing Project (ESP), and 1000 Genomes Project. In the ESP, this variant was not observed in 6502 samples (13004 alleles) with coverage at this position. To date, this alteration has been detected with an allele frequency of approximately 0.003% (greater than 90000 alleles tested) in our clinical cohort. This amino acid position is poorly conserved in available vertebrate species. In addition, in silico predictors for this gene do not accurately predict pathogenicity. Since supporting evidence is limited at this time, the clinical significance of this alteration remains unclear.

NM_000038.6(APC):c.3209A>T (p.Asn1070Ile)

Gene: APC (APC regulator of Wnt signaling pathway; plus strand). Cytogenetic location: 5q22.2.
Variant type: single nucleotide variant.
Coding change: c.3209A>T on transcript NM_000038.6 (MANE Select); coding-DNA position 3209, A replaced by T.
Protein change: p.Asn1070Ile; replaces asparagine 1070 with isoleucine.
Molecular consequence: missense variant.
Genome position (GRCh38, 1-based): chr5:112,838,803, A>T. VCF-style: chr5-112838803-A-T. GRCh37 (hg19) VCF-style: chr5-112174500-A-T.
Other names: c.3209A>T, p.Asn1070Ile (NM_001127510.3, NM_001354895.2); c.3155A>T, p.Asn1052Ile (NM_001127511.3); c.3263A>T, p.Asn1088Ile (NM_001354896.2); c.3239A>T, p.Asn1080Ile (NM_001354897.2); c.3134A>T, p.Asn1045Ile (NM_001354898.2); c.3125A>T, p.Asn1042Ile (NM_001354899.2); c.3086A>T, p.Asn1029Ile (NM_001354900.2); c.3032A>T, p.Asn1011Ile (NM_001354901.2); and 5 more; short protein forms N1052I, N1070I, N1029I, N1045I, N1088I, N944I, N787I, N1042I.
Identifiers: ClinVar variation 482241 (VCV000482241.14), dbSNP rs1315959337, ClinGen allele CA16028374.
Genomic context (GRCh38, chr5:112,838,803, plus strand): 5'-CAAGACCCAAACACATAATAGAAGATGAAATAAAACAAAGTGAGCAAAGACAATCAAGGA[A>T]TCAAAGTACAACTTATCCTGTTTATACTGAGAGCACTGATGATAAACACCTCAAGTTCCA-3'
Protein context (NP_000029.2, residues 1060-1080): IKQSEQRQSR[Asn1070Ile]QSTTYPVYTE